The following is an entry in ClinVar:

NM_000368.5(TSC1):c.2478G>C (p.Leu826=)

Gene: TSC1 (TSC complex subunit 1; minus strand). Cytogenetic location: 9q34.13.
Variant type: single nucleotide variant.
Coding change: c.2478G>C on transcript NM_000368.5 (MANE Select); coding-DNA position 2478, G replaced by C.
Protein change: p.Leu826=; no amino-acid change (leucine 826 retained).
Molecular consequence: synonymous variant.
Genome position (GRCh38, 1-based): chr9:132,901,613, C>G on the plus strand (G>C on the coding strand, the complement: TSC1 is on the minus strand). VCF-style: chr9-132901613-C-G. GRCh37 (hg19) VCF-style: chr9-135777000-C-G.
Other names: c.2475G>C, p.Leu825= (NM_001162426.2); c.2325G>C, p.Leu775= (NM_001162427.2); c.2115G>C, p.Leu705= (NM_001362177.2).
Identifiers: ClinVar variation 64735 (VCV000064735.27), dbSNP rs149719514, ClinGen allele CA006499.

ClinVar aggregate classification (germline): Benign/Likely benign. Review status: criteria provided, multiple submitters, no conflicts (2 of 4 stars). 11 submissions from 11 submitters: Benign (3); Likely benign (6). 2 of the submissions do not count toward it. Last evaluated 2026-01-11.

Conditions:
TSC1-related disorder. Also called: TSC1-related condition.
Hereditary cancer-predisposing syndrome. Also called: Neoplastic Syndromes, Hereditary; Tumor predisposition; Hereditary neoplastic syndrome; Hereditary Cancer Syndrome. Identifiers: Orphanet 140162, MedGen C0027672, MeSH D009386, MONDO:0015356.
Tuberous sclerosis syndrome (TSC). Also called: Tuberous sclerosis; Tuberous Sclerosis Complex. Identifiers: Orphanet 805, MedGen C0041341, MONDO:0001734.
Tuberous sclerosis 1 (TSC1). Identifiers: Orphanet 805, MedGen C1854465, MONDO:0008612, OMIM 191100.

Allele frequency attached by ClinVar (database versions not stated): gnomAD 0.00003 and 0.00004; TOPMed 0.00004; gnomAD exomes 0.00027; ESP Exome Variant Server 0.00015.

Submissions (11):

Labcorp Genetics (formerly Invitae), Labcorp
Classification: Benign for Tuberous sclerosis 1. Last evaluated: 2026-01-11. Review status: criteria provided, single submitter. Criteria: Invitae Variant Classification Sherloc (09022015). Collection method: clinical testing. Allele origin: germline.

Women's Health and Genetics/Laboratory Corporation of America, LabCorp
Classification: Benign. Last evaluated: 2025-11-03. Review status: criteria provided, single submitter. Criteria: LabCorp Variant Classification Summary - May 2015. Collection method: clinical testing. Allele origin: germline.

Myriad Genetics, Inc.
Classification: Likely benign for Tuberous sclerosis 1. Last evaluated: 2025-04-25. Review status: criteria provided, single submitter. Criteria: Myriad Autosomal Dominant, Autosomal Recessive and X-Linked Classification Criteria (2023). Collection method: clinical testing. Allele origin: unknown.
Comment: This variant is considered likely benign. This variant has been observed at a population frequency that is significantly greater than expected given the associated disease prevalence and penetrance.

All of Us Research Program, National Institutes of Health
Classification: Likely benign for Tuberous sclerosis syndrome. Last evaluated: 2024-02-05. Review status: criteria provided, single submitter. Criteria: ACMG Guidelines, 2015. Collection method: clinical testing. Allele origin: germline. Inheritance: Autosomal dominant inheritance. Observed: 16 variant alleles, 16 heterozygotes.
Comment: This synonymous variant causes a G>C nucleotide change in exon 19 of the TSC1 gene. Splice site prediction tools suggest that this variant may impact RNA splicing. To our knowledge, RNA studies have not been reported for this variant. This variant has not been reported in individuals affected with TSC1-related disorders in the literature. This variant has not been identified in the general population by the Genome Aggregation Database (gnomAD). The available evidence is insufficient to determine the role of this variant in disease conclusively. Therefore, this variant is classified as a Variant of Uncertain Significance.

This study involves interpretation of variants in research participants for the purpose of population health screening. Participant phenotype was not available at the time of variant classification. Additional details can be found in publication PMID: 35346344, PMCID: PMC8962531

Color Diagnostics, LLC DBA Color Health
Classification: Likely benign for Tuberous sclerosis syndrome. Last evaluated: 2023-12-05. Review status: criteria provided, single submitter. Criteria: ACMG Guidelines, 2015. Collection method: clinical testing. Allele origin: germline.

Genome-Nilou Lab
Classification: Benign for Tuberous sclerosis 1. Last evaluated: 2021-11-07. Review status: criteria provided, single submitter. Criteria: ACMG Guidelines, 2015. Collection method: clinical testing. Allele origin: germline. Affected: no.

GeneDx
Classification: Likely benign. Last evaluated: 2020-11-16. Review status: criteria provided, single submitter. Criteria: GeneDx Variant Classification Process June 2021. Collection method: clinical testing. Allele origin: germline. Affected: yes.

Sema4
Classification: Likely benign for Hereditary cancer-predisposing syndrome. Last evaluated: 2020-10-18. Review status: criteria provided, single submitter. Criteria: Sema4 Curation Guidelines. Collection method: curation. Allele origin: germline.

Ambry Genetics
Classification: Likely benign for Hereditary cancer-predisposing syndrome. Last evaluated: 2017-01-26. Review status: criteria provided, single submitter. Criteria: Ambry Variant Classification Scheme 2023. Collection method: clinical testing. Allele origin: germline.

PreventionGenetics, part of Exact Sciences
Classification: Likely benign for TSC1-related condition. Last evaluated: 2020-10-19. Review status: no assertion criteria provided. Collection method: clinical testing. Allele origin: germline. Not counted in ClinVar's aggregate classification.
Comment: This variant is classified as likely benign based on ACMG/AMP sequence variant interpretation guidelines (Richards et al. 2015 PMID: 25741868, with internal and published modifications).

Tuberous sclerosis database (TSC1)
No classification provided. Condition: TSC. Review status: no classification provided. Criteria: Tuberous Sclerosis Database Assertion Criteria 2015. Collection method: curation. Allele origin: germline. Affected: yes. Not counted in ClinVar's aggregate classification.